The following is an entry in ClinVar:

ClinVar aggregate classification (germline): Uncertain significance (1 of 4 stars; one submission).

Conditions:
SEMA3B-related disorder. Also called: SEMA3B-related condition.

gnomAD v4.1: 6 of 1,508,594 alleles (0.0004%); highest among the groups gnomAD compares: South Asian, 0.0037%; no homozygotes.

Submission:

PreventionGenetics, part of Exact Sciences
Classification: Uncertain significance for SEMA3B-related condition. Last evaluated: 2026-04-21. Review status: criteria provided, single submitter. Criteria: ACMG Guidelines, 2015. Collection method: clinical testing. Allele origin: germline.
Comment: The SEMA3B c.95G>A variant is predicted to result in the amino acid substitution p.Arg32Gln. To our knowledge, this variant has not been reported in the literature or in a large population database (gnomAD), indicating this variant is rare. At this time, the clinical significance of this variant is uncertain due to the absence of conclusive functional and genetic evidence.

NM_001290060.2(SEMA3B):c.95G>A (p.Arg32Gln)

Gene: SEMA3B (semaphorin 3B; plus strand). Cytogenetic location: 3p21.31.
Variant type: single nucleotide variant.
Coding change: c.95G>A on transcript NM_001290060.2 (MANE Select); coding-DNA position 95, G replaced by A.
Protein change: p.Arg32Gln; replaces arginine 32 with glutamine.
Molecular consequence: missense variant.
Genome position (GRCh38, 1-based): chr3:50,269,335, G>A. VCF-style: chr3-50269335-G-A. GRCh37 (hg19) VCF-style: chr3-50306766-G-A.
Other names: c.95G>A, p.Arg32Gln (NM_001005914.3, NM_001290061.1, NM_001435956.1 and 3 more transcripts); short protein forms R32Q.
Identifiers: ClinVar variation 4978704 (VCV004978704.1).